The following is an entry in ClinVar:

ClinVar aggregate classification (germline): Uncertain significance (1 of 4 stars; one submission).

Conditions:
Inborn genetic diseases. Identifiers: MedGen C0950123, MeSH D030342.

Allele frequency attached by ClinVar (database versions not stated): gnomAD exomes below 0.00001; TOPMed below 0.00001.
gnomAD v4.1: 1 of 1,389,152 alleles (0.000072%); highest among the groups gnomAD compares: Non-Finnish European, 0.000096%; no homozygotes.

Submission:

Ambry Genetics
Classification: Uncertain significance for Inborn genetic diseases. Last evaluated: 2023-09-14. Review status: criteria provided, single submitter. Criteria: Ambry Variant Classification Scheme 2023. Collection method: clinical testing. Allele origin: germline.
Comment: The c.98T>G (p.V33G) alteration is located in coding exon 2 of the KCNT2 gene. This alteration results from a T to G substitution at nucleotide position 98, causing the valine (V) at amino acid position 33 to be replaced by a glycine (G). This variant was not reported in population-based cohorts in the Genome Aggregation Database (gnomAD). This amino acid position is highly conserved in available vertebrate species. The in silico prediction for this alteration is inconclusive. Based on insufficient or conflicting evidence, the clinical significance of this alteration remains unclear.

NM_198503.5(KCNT2):c.98T>G (p.Val33Gly)

Gene: KCNT2 (potassium sodium-activated channel subfamily T member 2; minus strand). Cytogenetic location: 1q31.3.
Variant type: single nucleotide variant.
Coding change: c.98T>G on transcript NM_198503.5 (MANE Select); coding-DNA position 98, T replaced by G.
Protein change: p.Val33Gly; replaces valine 33 with glycine.
Molecular consequence: missense variant. On other transcripts: non-coding transcript variant (2).
Genome position (GRCh38, 1-based): chr1:196,492,339, A>C on the plus strand (T>G on the coding strand, the complement: KCNT2 is on the minus strand). VCF-style: chr1-196492339-A-C. GRCh37 (hg19) VCF-style: chr1-196461469-A-C.
Other names: c.98T>G, p.Val33Gly (NM_001287819.3, NM_001287820.3); short protein forms V33G.
Identifiers: ClinVar variation 2227318 (VCV002227318.3), dbSNP rs1679918226, ClinGen allele CA344079677.
Genomic context (GRCh38, chr1:196,492,339, plus strand): 5'-ATGAAAAATAATTTTAGTCTTTCTTTAAATGTATTTTCATTCATATAGAATTCAACTTGT[A>C]CCCTGCAAACAGAAAATAAAAACATGTAAATGTATGCAAGCAACCATATCTTTATTTTCA-3'
Protein context (NP_940905.2, residues 23-43): GDQGWQNDDR[Val33Gly]QVEFYMNENT